The following is an entry in ClinVar:

NM_001384140.1(PCDH15):c.2617G>A (p.Glu873Lys)

Gene: PCDH15 (protocadherin related 15; minus strand). Cytogenetic location: 10q21.1.
Variant type: single nucleotide variant.
Coding change: c.2617G>A on transcript NM_001384140.1 (MANE Select); coding-DNA position 2617, G replaced by A.
Protein change: p.Glu873Lys; replaces glutamic acid 873 with lysine.
Molecular consequence: missense variant.
Genome position (GRCh38, 1-based): chr10:54,020,326, C>T on the plus strand (G>A on the coding strand, the complement: PCDH15 is on the minus strand). VCF-style: chr10-54020326-C-T. GRCh37 (hg19) VCF-style: chr10-55780086-C-T.
Other names: c.2632G>A, p.Glu878Lys (NM_001142763.2, NM_001142771.2); c.2617G>A, p.Glu873Lys (NM_001142764.2, NM_001142766.2, NM_001142770.3 and 5 more transcripts); c.2404G>A, p.Glu802Lys (NM_001142765.2); c.2506G>A, p.Glu836Lys (NM_001142767.2); c.2551G>A, p.Glu851Lys (NM_001142768.2, NM_001142773.2, NM_001354404.2); c.2653G>A, p.Glu885Lys (NM_001142769.4); c.2638G>A, p.Glu880Lys (NM_001354411.2); short protein forms E836K, E880K, E851K, E873K, E878K, E885K, E802K.
Identifiers: ClinVar variation 2165010 (VCV002165010.1), dbSNP rs768610663, ClinGen allele CA5505973.
Genomic context (GRCh38, chr10:54,020,326, plus strand): 5'-TGATACTTGCTTCTTGGTCTGGAAATGCCTCATAATCTAAACTCCTTAAAAGCGATAGTT[C>T]TCCTGTAAATGGATGTAGTGCAAAAAAGTGCTTCACTTCTGGGCTTCTTATCCGGTAAGA-3'
Protein context (NP_001371069.1, residues 863-883): HFFALHPFTG[Glu873Lys]LSLLRSLDYE

ClinVar aggregate classification (germline): Uncertain significance (1 of 4 stars; one submission).

Allele frequency attached by ClinVar (database versions not stated): gnomAD 0.00001; gnomAD exomes 0.00002; ExAC 0.00003; TOPMed 0.00003.
gnomAD v4.1: 33 of 1,613,726 alleles (0.002%); highest among the groups gnomAD compares: Non-Finnish European, 0.00017%; no homozygotes.

Submission:

Labcorp Genetics (formerly Invitae), Labcorp
Classification: Uncertain significance. Last evaluated: 2022-03-12. Review status: criteria provided, single submitter. Criteria: Invitae Variant Classification Sherloc (09022015). Collection method: clinical testing. Allele origin: germline.
Comment: This sequence change replaces glutamic acid, which is acidic and polar, with lysine, which is basic and polar, at codon 873 of the PCDH15 protein (p.Glu873Lys). This variant is present in population databases (rs768610663, gnomAD 0.06%). This variant has not been reported in the literature in individuals affected with PCDH15-related conditions. Algorithms developed to predict the effect of missense changes on protein structure and function are either unavailable or do not agree on the potential impact of this missense change (SIFT: "Deleterious"; PolyPhen-2: "Possibly Damaging"; Align-GVGD: "Class C0"). In summary, the available evidence is currently insufficient to determine the role of this variant in disease. Therefore, it has been classified as a Variant of Uncertain Significance.